The following is an entry in ClinVar:

ClinVar aggregate classification (germline): Uncertain significance (1 of 4 stars; one submission).

Conditions:
Multiple congenital anomalies-hypotonia-seizures syndrome 1 (MCAHS1). Also called: PIGN-CDG; Congenital disorder of glycosylation due to PIGN deficiency; GLYCOSYLPHOSPHATIDYLINOSITOL BIOSYNTHESIS DEFECT 3. Identifiers: Orphanet 280633, MedGen C3279775, MONDO:0013563, OMIM 614080.

Allele frequency attached by ClinVar (database versions not stated): gnomAD exomes 0.00001.
gnomAD v4.1: 19 of 1,606,982 alleles (0.0012%); highest among the groups gnomAD compares: Non-Finnish European, 0.0015%; no homozygotes.

Submission:

Labcorp Genetics (formerly Invitae), Labcorp
Classification: Uncertain significance for Multiple congenital anomalies-hypotonia-seizures syndrome 1. Last evaluated: 2022-03-01. Review status: criteria provided, single submitter. Criteria: Invitae Variant Classification Sherloc (09022015). Collection method: clinical testing. Allele origin: germline.
Comment: In summary, the available evidence is currently insufficient to determine the role of this variant in disease. Therefore, it has been classified as a Variant of Uncertain Significance. Algorithms developed to predict the effect of missense changes on protein structure and function are either unavailable or do not agree on the potential impact of this missense change (SIFT: "Not Available"; PolyPhen-2: "Probably Damaging"; Align-GVGD: "Not Available"). This variant has not been reported in the literature in individuals affected with PIGN-related conditions. This variant is not present in population databases (gnomAD no frequency). This sequence change replaces serine, which is neutral and polar, with arginine, which is basic and polar, at codon 561 of the PIGN protein (p.Ser561Arg).

NM_176787.5(PIGN):c.1683T>A (p.Ser561Arg)

Gene: PIGN (phosphatidylinositol glycan anchor biosynthesis class N; minus strand). Cytogenetic location: 18q21.33.
Variant type: single nucleotide variant.
Coding change: c.1683T>A on transcript NM_176787.5 (MANE Select); coding-DNA position 1683, T replaced by A.
Protein change: p.Ser561Arg; replaces serine 561 with arginine.
Molecular consequence: missense variant.
Genome position (GRCh38, 1-based): chr18:62,106,873, A>T on the plus strand (T>A on the coding strand, the complement: PIGN is on the minus strand). VCF-style: chr18-62106873-A-T. GRCh37 (hg19) VCF-style: chr18-59774106-A-T.
Other names: c.1683T>A, p.Ser561Arg (NM_012327.6); short protein forms S561R.
Identifiers: ClinVar variation 2105325 (VCV002105325.4), dbSNP rs2512959739, ClinGen allele CA402605097.